The following is an entry in ClinVar:

ClinVar aggregate classification (germline): Uncertain significance. Review status: criteria provided, multiple submitters, no conflicts (2 of 4 stars). 3 submissions from 3 submitters: Uncertain significance (3). Last evaluated 2024-03-14.

Conditions:
Marfan syndrome (MFS). Also called: Marfan syndrome type 1; Marfan's syndrome; FBN1-Related Marfan Syndrome; MARFAN SYNDROME, TYPE I; Marfan syndrome, classic. Identifiers: Orphanet 284963, Orphanet 558, MedGen C0024796, MONDO:0007947, OMIM 154700.
Familial thoracic aortic aneurysm and aortic dissection (TAAD). Also called: Thoracic aortic aneurysms and dissections. Identifiers: Orphanet 91387, MedGen C4707243, MONDO:0019625.

Allele frequency attached by ClinVar (database versions not stated): gnomAD exomes below 0.00001.
gnomAD v4.1: 1 of 1,611,768 alleles (0.000062%); highest among the groups gnomAD compares: Non-Finnish European, 0.000085%; no homozygotes.

Submissions (3):

GeneDx
Classification: Uncertain significance. Last evaluated: 2024-03-14. Review status: criteria provided, single submitter. Criteria: GeneDx Variant Classification Process June 2021. Collection method: clinical testing. Allele origin: germline. Affected: yes.
Comment: Has not been previously published as pathogenic or benign to our knowledge; Not observed at significant frequency in large population cohorts (gnomAD); Although located in a calcium-binding EGF-like domain of the FBN1 gene, it does not affect a cysteine residue within this domain; cysteine substitutions in the calcium-binding EGF-like domains represent the majority of pathogenic missense changes associated with FBN1-related disorders (PMID: 12938084); In silico analysis supports that this missense variant has a deleterious effect on protein structure/function; This variant is associated with the following publications: (PMID: 12938084)

Blueprint Genetics
Classification: Uncertain significance. Last evaluated: 2022-06-27. Review status: criteria provided, single submitter. Criteria: ACMG Guidelines, 2015. Collection method: clinical testing. Allele origin: germline.

Labcorp Genetics (formerly Invitae), Labcorp
Classification: Uncertain significance for Marfan syndrome; Familial thoracic aortic aneurysm and aortic dissection. Last evaluated: 2021-04-14. Review status: criteria provided, single submitter. Criteria: Invitae Variant Classification Sherloc (09022015). Collection method: clinical testing. Allele origin: germline.
Comment: In summary, the available evidence is currently insufficient to determine the role of this variant in disease. Therefore, it has been classified as a Variant of Uncertain Significance. Algorithms developed to predict the effect of missense changes on protein structure and function are either unavailable or do not agree on the potential impact of this missense change (SIFT: "Deleterious"; PolyPhen-2: "Possibly Damaging"; Align-GVGD: "Class C0"). This variant has not been reported in the literature in individuals with FBN1-related conditions. This variant is not present in population databases (ExAC no frequency). This sequence change replaces histidine with asparagine at codon 1924 of the FBN1 protein (p.His1924Asn). The histidine residue is highly conserved and there is a small physicochemical difference between histidine and asparagine.

NM_000138.5(FBN1):c.5770C>A (p.His1924Asn)

Gene: FBN1 (fibrillin 1; minus strand). Cytogenetic location: 15q21.1.
Variant type: single nucleotide variant.
Coding change: c.5770C>A on transcript NM_000138.5 (MANE Select); coding-DNA position 5770, C replaced by A.
Protein change: p.His1924Asn; replaces histidine 1924 with asparagine.
Molecular consequence: missense variant.
Genome position (GRCh38, 1-based): chr15:48,446,724, G>T on the plus strand (C>A on the coding strand, the complement: FBN1 is on the minus strand). VCF-style: chr15-48446724-G-T. GRCh37 (hg19) VCF-style: chr15-48738921-G-T.
Other names: c.5770C>A (NM_000138.4); short protein forms H1924N.
Identifiers: ClinVar variation 1345383 (VCV001345383.10), dbSNP rs1201849394, ClinGen allele CA392341078.